The following is an entry in ClinVar:

ClinVar aggregate classification (germline): Conflicting classifications of pathogenicity. Review status: criteria provided, conflicting classifications (1 of 4 stars). 4 submissions from 4 submitters: Likely pathogenic (1); Uncertain significance (3). Last evaluated 2025-11-03.

Conditions:
CNGB1-related disorder. Also called: CNGB1-related condition.

Allele frequency attached by ClinVar (database versions not stated): gnomAD 0.00001 and 0.00005; TOPMed 0.00001; gnomAD exomes 0.00004 and 0.00006; ExAC 0.00008.
gnomAD v4.1: 70 of 1,614,090 alleles (0.0043%); highest among the groups gnomAD compares: Middle Eastern, 0.13%; 2 homozygotes.

Submissions (4):

PreventionGenetics, part of Exact Sciences
Classification: Uncertain significance for CNGB1-related condition. Last evaluated: 2025-11-03. Review status: criteria provided, single submitter. Criteria: ACMG Guidelines, 2015. Collection method: clinical testing. Allele origin: germline.
Comment: The CNGB1 c.2438C>T variant is predicted to result in the amino acid substitution p.Ser813Leu. This variant has not been reported in the literature in individuals with retinitis pigmentosa. This variant is reported in 0.046% of alleles in individuals of South Asian descent in gnomAD. At this time, the clinical significance of this variant is uncertain due to the absence of conclusive functional and genetic evidence.

Blueprint Genetics
Classification: Uncertain significance. Last evaluated: 2023-08-14. Review status: criteria provided, single submitter. Criteria: ACMG Guidelines, 2015. Collection method: clinical testing. Allele origin: germline.

Labcorp Genetics (formerly Invitae), Labcorp
Classification: Uncertain significance. Last evaluated: 2023-05-11. Review status: criteria provided, single submitter. Criteria: Invitae Variant Classification Sherloc (09022015). Collection method: clinical testing. Allele origin: germline.
Comment: In summary, the available evidence is currently insufficient to determine the role of this variant in disease. Therefore, it has been classified as a Variant of Uncertain Significance. Advanced modeling of protein sequence and biophysical properties (such as structural, functional, and spatial information, amino acid conservation, physicochemical variation, residue mobility, and thermodynamic stability) performed at Invitae indicates that this missense variant is expected to disrupt CNGB1 protein function. ClinVar contains an entry for this variant (Variation ID: 427204). This variant has not been reported in the literature in individuals affected with CNGB1-related conditions. This variant is present in population databases (rs747258045, gnomAD 0.05%). This sequence change replaces serine, which is neutral and polar, with leucine, which is neutral and non-polar, at codon 813 of the CNGB1 protein (p.Ser813Leu).

GeneDx
Classification: Likely pathogenic. Last evaluated: 2015-04-03. Review status: criteria provided, single submitter. Criteria: GeneDx Variant Classification (06012015). Collection method: clinical testing. Allele origin: germline. Affected: yes.
Comment: The S813L variant in the CNGB1 gene has not been published as a pathogenic variant, nor has it been reported as a benign polymorphism to our knowledge. The S813L variant was not observed in approximately 6100 individuals of European and African American ancestry in the NHLBI Exome Sequencing Project, indicating it is not a common benign variant in these populations. The S813L variant is a non-conservative amino acid substitution, which is likely to impact secondary protein structure as these residues differ in polarity, charge, size and/or other properties. This substitution occurs at a position that is conserved across species. In silico analysis predicts that this variant is probably damaging to the protein structure/function. The S813L variant is a strong candidate for a disease-causing variant; however, the possibility that it may be a rare benign variant cannot be excluded.

NM_001297.5(CNGB1):c.2438C>T (p.Ser813Leu)

Gene: CNGB1 (cyclic nucleotide gated channel subunit beta 1; minus strand). Cytogenetic location: 16q21.
Variant type: single nucleotide variant.
Coding change: c.2438C>T on transcript NM_001297.5 (MANE Select); coding-DNA position 2438, C replaced by T.
Protein change: p.Ser813Leu; replaces serine 813 with leucine.
Molecular consequence: missense variant.
Genome position (GRCh38, 1-based): chr16:57,911,807, G>A on the plus strand (C>T on the coding strand, the complement: CNGB1 is on the minus strand). VCF-style: chr16-57911807-G-A. GRCh37 (hg19) VCF-style: chr16-57945711-G-A.
Other names: c.2420C>T, p.Ser807Leu (NM_001286130.2); short protein forms S813L, S807L.
Identifiers: ClinVar variation 427204 (VCV000427204.12), dbSNP rs747258045, ClinGen allele CA8083007.